The following is an entry in ClinVar:

NM_001371928.1(AHDC1):c.1335G>A (p.Pro445=)

Gene: AHDC1 (AT-hook DNA binding motif containing 1; minus strand). Cytogenetic location: 1p36.11.
Variant type: single nucleotide variant.
Coding change: c.1335G>A on transcript NM_001371928.1 (MANE Select); coding-DNA position 1335, G replaced by A.
Protein change: p.Pro445=; no amino-acid change (proline 445 retained).
Molecular consequence: synonymous variant.
Genome position (GRCh38, 1-based): chr1:27,550,781, C>T on the plus strand (G>A on the coding strand, the complement: AHDC1 is on the minus strand). VCF-style: chr1-27550781-C-T. GRCh37 (hg19) VCF-style: chr1-27877292-C-T.
Other names: c.1335G>A, p.Pro445= (NM_001029882.3).
Identifiers: ClinVar variation 2888500 (VCV002888500.17), dbSNP rs980115486, ClinGen allele CA19877594.

ClinVar aggregate classification (germline): Likely benign. Review status: criteria provided, multiple submitters, no conflicts (2 of 4 stars). 2 submissions from 2 submitters: Likely benign (2). Last evaluated 2024-11-01.

Allele frequency attached by ClinVar (database versions not stated): TOPMed 0.00001; gnomAD 0.00003.
gnomAD v4.1: 14 of 1,569,270 alleles (0.00089%); highest among the groups gnomAD compares: South Asian, 0.0035%; no homozygotes.

Submissions (2):

CeGaT Center for Human Genetics Tuebingen
Classification: Likely benign. Last evaluated: 2024-11-01. Review status: criteria provided, single submitter. Criteria: CeGaT Center For Human Genetics Tuebingen Variant Classification Criteria Version 2. Collection method: clinical testing. Allele origin: germline. Affected: yes. Observed: 1 variant allele.
Comment: AHDC1: BP4, BP7

Labcorp Genetics (formerly Invitae), Labcorp
Classification: Likely benign. Last evaluated: 2022-10-29. Review status: criteria provided, single submitter. Criteria: Invitae Variant Classification Sherloc (09022015). Collection method: clinical testing. Allele origin: germline.